The following is an entry in ClinVar:

ClinVar aggregate classification (germline): Uncertain significance. Review status: criteria provided, multiple submitters, no conflicts (2 of 4 stars). 4 submissions from 4 submitters: Uncertain significance (4). Last evaluated 2025-06-17.

Conditions:
Neurofibromatosis, type 2 (SWNV). Also called: NF2-Related Schwannomatosis; SCHWANNOMATOSIS, VESTIBULAR; BILATERAL ACOUSTIC NEUROFIBROMATOSIS. Identifiers: Orphanet 637, MedGen C0027832, MONDO:0007039, OMIM 101000. Disease mechanism: loss of function.
Familial meningioma. Also called: Meningioma, familial, susceptibility to. Identifiers: Orphanet 263662, MedGen C3551915, MONDO:0011789, OMIM 607174.
Hereditary cancer-predisposing syndrome. Also called: Tumor predisposition; Neoplastic Syndromes, Hereditary; Hereditary Cancer Syndrome; Hereditary neoplastic syndrome. Identifiers: Orphanet 140162, MedGen C0027672, MeSH D009386, MONDO:0015356.

Submissions (4):

Color Diagnostics, LLC DBA Color Health
Classification: Uncertain significance for Neurofibromatosis, type 2. Last evaluated: 2025-06-17. Review status: criteria provided, single submitter. Criteria: ACMG Guidelines, 2015. Collection method: clinical testing. Allele origin: germline.
Comment: This missense variant replaces arginine with asparagine at codon 8 of the NF2 protein. To our knowledge, functional studies have not been reported for this variant. This variant has not been reported in individuals affected with NF2-related disorders in the literature. This variant has not been identified in the general population by the Genome Aggregation Database (gnomAD). The available evidence is insufficient to determine the role of this variant in disease conclusively. Therefore, this variant is classified as a Variant of Uncertain Significance.

Labcorp Genetics (formerly Invitae), Labcorp
Classification: Uncertain significance for Neurofibromatosis, type 2. Last evaluated: 2024-03-16. Review status: criteria provided, single submitter. Criteria: Invitae Variant Classification Sherloc (09022015). Collection method: clinical testing. Allele origin: germline.
Comment: This sequence change replaces arginine, which is basic and polar, with asparagine, which is neutral and polar, at codon 8 of the NF2 protein (p.Arg8Asn). Information on the frequency of this variant in the gnomAD database is not available, as this variant may be reported differently in the database. This variant has not been reported in the literature in individuals affected with NF2-related conditions. ClinVar contains an entry for this variant (Variation ID: 1787623). An algorithm developed to predict the effect of missense changes on protein structure and function (PolyPhen-2) suggests that this variant is likely to be tolerated. In summary, the available evidence is currently insufficient to determine the role of this variant in disease. Therefore, it has been classified as a Variant of Uncertain Significance.

Baylor Genetics
Classification: Uncertain significance for Familial meningioma. Last evaluated: 2024-01-20. Review status: criteria provided, single submitter. Criteria: ACMG Guidelines, 2015. Collection method: clinical testing. Allele origin: unknown.

Ambry Genetics
Classification: Uncertain significance for Hereditary cancer-predisposing syndrome. Last evaluated: 2023-03-10. Review status: criteria provided, single submitter. Criteria: Ambry Variant Classification Scheme 2023. Collection method: clinical testing. Allele origin: germline.
Comment: The c.22_23delCGinsAA variant (also known as p.R8N), located in coding exon 1 of the NF2 gene, results from an in-frame deletion of CG and insertion of AA at nucleotide positions 22 to 23. This results in the substitution of the arginine residue for an asparagine residue at codon 8, an amino acid with similar properties. This amino acid position is highly conserved in available vertebrate species. In addition, this alteration is predicted to be neutral by in silico analysis (Choi Y et al. PLoS ONE. 2012; 7(10):e46688). Since supporting evidence is limited at this time, the clinical significance of this alteration remains unclear.

NM_000268.4(NF2):c.22_23delinsAA (p.Arg8Asn)

Gene: NF2 (NF2, moesin-ezrin-radixin like (MERLIN) tumor suppressor; plus strand). Cytogenetic location: 22q12.2.
Variant type: Indel.
Coding change: c.22_23delinsAA on transcript NM_000268.4 (MANE Select); coding-DNA positions 22 to 23, CG replaced by AA.
Protein change: p.Arg8Asn; replaces arginine 8 with asparagine.
Molecular consequence: missense variant. On other transcripts: non-coding transcript variant (1).
Genome position (GRCh38, 1-based): chr22:29,604,020-29,604,021, CG replaced by AA. VCF-style: chr22-29604020-CG-AA. GRCh37 (hg19) VCF-style: chr22-30000009-CG-AA.
Other names: c.-209_-208delCGinsAA (NM_001407053.1, NM_001407056.1); c.22_23delCGinsAA, p.Arg8Asn (NM_001407054.1, NM_001407055.1, NM_001407057.1 and 7 more transcripts); c.-619_-618delCGinsAA (NM_001407065.1); c.-235_-234delCGinsAA (NM_001407067.1); c.22_23delinsAA, p.Arg8Asn (NM_016418.5, NM_181825.3, NM_181828.3 and 5 more transcripts); short protein forms R8N.
Identifiers: ClinVar variation 1787623 (VCV001787623.8), dbSNP rs2518226109, ClinGen allele CA2580099433.